The following is an entry in ClinVar:

ClinVar aggregate classification (germline): Uncertain significance (0 of 4 stars; one submission).

Conditions:
Platelet-type bleeding disorder 15 (BDPLT15). Also called: MACROTHROMBOCYTOPENIA, AUTOSOMAL DOMINANT, ACTN1-RELATED. Identifiers: Orphanet 140957, MedGen C3554663, MONDO:0014078, OMIM 615193.

Submission:

ISTH-SSC Genomics in Thrombosis and Hemostasis, KU Leuven, Center for Molecular and Vascular Biology
Classification: Uncertain significance for Platelet-type bleeding disorder 15. Review status: no assertion criteria provided. Collection method: clinical testing. Allele origin: germline. Affected: yes.
Comment: Submitted to GoldVariant by Juliana Perez Botero from Versiti Diagnostic Laboratories, USA

NM_001130004.2(ACTN1):c.1040T>C (p.Leu347Pro)

Gene: ACTN1 (actinin alpha 1; minus strand). Cytogenetic location: 14q24.1.
Variant type: single nucleotide variant.
Coding change: c.1040T>C on transcript NM_001130004.2 (MANE Select); coding-DNA position 1040, T replaced by C.
Protein change: p.Leu347Pro; replaces leucine 347 with proline.
Molecular consequence: missense variant.
Genome position (GRCh38, 1-based): chr14:68,892,099, A>G on the plus strand (T>C on the coding strand, the complement: ACTN1 is on the minus strand). VCF-style: chr14-68892099-A-G. GRCh37 (hg19) VCF-style: chr14-69358816-A-G.
Other names: c.1040T>C, p.Leu347Pro (NM_001102.4, NM_001130005.2); short protein forms L347P.
Identifiers: ClinVar variation 1684461 (VCV001684461.1), dbSNP rs2140158523, ClinGen allele CA390188267.
Genomic context (GRCh38, chr14:68,892,099, plus strand): 5'-CCCCCAGTGCTCACCGAGACCATCCTGCCCTCAGAGGGCATGAAGGCAGGCCGGTTGCTG[A>G]GCCGCAGCTTGGTCTGCAGCGTGTTGAAGTTGATCTCCAGCTGGCACTTCTCCTGCACCT-3'
Protein context (NP_001123476.1, residues 337-357): NFNTLQTKLR[Leu347Pro]SNRPAFMPSE